The following is an entry in ClinVar:

NM_014629.4(ARHGEF10):c.278_279del (p.Ser93fs)

Gene: ARHGEF10 (Rho guanine nucleotide exchange factor 10; plus strand). Cytogenetic location: 8p23.3.
Variant type: Deletion.
Coding change: c.278_279del on transcript NM_014629.4 (MANE Select); coding-DNA positions 278 to 279, 2 bases deleted (CT; older notation c.278_279delCT).
Protein change: p.Ser93fs; shifts the reading frame from serine 93.
Molecular consequence: frameshift variant.
Genome position (GRCh38, 1-based): chr8:1,859,981-1,859,982, CT deleted; deleting any 2 consecutive bases within chr8:1,859,980-1,859,982 gives the same sequence; the c. name uses the placement nearest the transcript's 3' end. VCF-style (leftmost placement, unchanged base first): chr8-1859979-TTC-T. GRCh37 (hg19) VCF-style: chr8-1808145-TTC-T.
Other names: c.278_279del, p.Ser93fs (NM_001308152.2, NM_001308153.3, NM_001438091.1 and 3 more transcripts); short protein forms S93fs.
Identifiers: ClinVar variation 4776759 (VCV004776759.2).

ClinVar aggregate classification (germline): Uncertain significance. Review status: criteria provided, multiple submitters, no conflicts (2 of 4 stars). 2 submissions from 2 submitters: Uncertain significance (2). Last evaluated 2025-08-31.

Submissions (2):

Labcorp Genetics (formerly Invitae), Labcorp
Classification: Uncertain significance. Last evaluated: 2025-08-31. Review status: criteria provided, single submitter. Criteria: Invitae Variant Classification Sherloc (09022015). Collection method: clinical testing. Allele origin: germline.
Comment: This sequence change creates a premature translational stop signal (p.Ser93Cysfs*20) in the ARHGEF10 gene. It is expected to result in an absent or disrupted protein product. However, the current clinical and genetic evidence is not sufficient to establish whether loss-of-function variants in ARHGEF10 cause disease. This variant is present in population databases (rs762515316, gnomAD 0.004%). This variant has not been reported in the literature in individuals affected with ARHGEF10-related conditions. In summary, the available evidence is currently insufficient to determine the role of this variant in disease. Therefore, it has been classified as a Variant of Uncertain Significance.

Blueprint Genetics
Classification: Uncertain significance. Last evaluated: 2023-08-03. Review status: criteria provided, single submitter. Criteria: ACMG Guidelines, 2015. Collection method: clinical testing. Allele origin: germline.